The following is an entry in ClinVar:

ClinVar aggregate classification (germline): Pathogenic. Review status: criteria provided, multiple submitters, no conflicts (2 of 4 stars). 2 submissions from 2 submitters: Pathogenic (2). Last evaluated 2024-07-30.

Conditions:
Familial adenomatous polyposis 1 (FAP1). Also called: POLYPOSIS, ADENOMATOUS INTESTINAL; FAMILIAL ADENOMATOUS POLYPOSIS 1, ATTENUATED. Identifiers: MedGen C2713442, MONDO:0021056, OMIM 175100. Disease mechanism: loss of function.
Hereditary cancer-predisposing syndrome. Also called: Neoplastic Syndromes, Hereditary; Tumor predisposition; Hereditary neoplastic syndrome; Hereditary Cancer Syndrome. Identifiers: Orphanet 140162, MedGen C0027672, MeSH D009386, MONDO:0015356.

Submissions (2):

Myriad Genetics, Inc.
Classification: Pathogenic for Familial adenomatous polyposis 1. Last evaluated: 2024-07-30. Review status: criteria provided, single submitter. Criteria: Myriad Autosomal Dominant, Autosomal Recessive and X-Linked Classification Criteria (2023). Collection method: clinical testing. Allele origin: unknown.
Comment: This variant is considered pathogenic. This variant creates a frameshift predicted to result in premature protein truncation.

Ambry Genetics
Classification: Pathogenic for Hereditary cancer-predisposing syndrome. Last evaluated: 2023-02-17. Review status: criteria provided, single submitter. Criteria: Ambry Variant Classification Scheme 2023. Collection method: clinical testing. Allele origin: germline.
Comment: The c.6451delA pathogenic mutation, located in coding exon 15 of the APC gene, results from a deletion of one nucleotide at nucleotide position 6451, causing a translational frameshift with a predicted alternate stop codon (p.T2151Hfs*18). This alteration occurs at the 3' terminus of theAPC gene, is not expected to trigger nonsense-mediated mRNA decay, and impacts the last 693 amino acids of the protein. However, premature stop codons are typically deleterious in nature and the impacted region is critical for protein function, and a significant portion of the protein is affected (Ambry internal data). This variant is considered to be rare based on population cohorts in the Genome Aggregation Database (gnomAD). Based on the supporting evidence, this alteration is interpreted as a disease-causing mutation.

NM_000038.6(APC):c.6451del (p.Thr2151fs)

Gene: APC (APC regulator of Wnt signaling pathway; plus strand). Cytogenetic location: 5q22.2.
Variant type: Deletion.
Coding change: c.6451del on transcript NM_000038.6 (MANE Select); coding-DNA position 6451, one base deleted (A; older notation c.6451delA).
Protein change: p.Thr2151fs; shifts the reading frame from threonine 2151.
Molecular consequence: frameshift variant. On other transcripts: non-coding transcript variant (2).
Genome position (GRCh38, 1-based): chr5:112,842,045, A deleted. VCF-style (leftmost placement, unchanged base first): chr5-112842044-TA-T. GRCh37 (hg19) VCF-style: chr5-112177741-TA-T.
Other names: c.6451del, p.Thr2151fs (NM_001127510.3, NM_001354895.2, NM_001407450.1); c.6397del, p.Thr2133fs (NM_001127511.3); c.6505del, p.Thr2169fs (NM_001354896.2, NM_001407447.1, NM_001407448.1 and 1 more transcripts); c.6481del, p.Thr2161fs (NM_001354897.2); c.6376del, p.Thr2126fs (NM_001354898.2); c.6367del, p.Thr2123fs (NM_001354899.2); c.6328del, p.Thr2110fs (NM_001354900.2); c.6274del, p.Thr2092fs (NM_001354901.2, NM_001407453.1); and 11 more; short protein forms T1767fs, T1991fs, T2060fs, T2110fs, T2025fs, T2068fs, T2092fs, T2123fs.
Identifiers: ClinVar variation 2452728 (VCV002452728.3), dbSNP rs2533715272, ClinGen allele CA2580072340.
Genomic context (GRCh38, chr5:112,842,044, plus strand): 5'-TGATTCAGATTCCATCCTTTCCCTGAAATCAGGAATCTCTCTGGGATCACCATTTCATCT[TA>T]CACCTGATCAAGAAGAAAAACCCTTTACAAGTAATAAAGGCCCACGAATTCTAAAACCAG-3'